The following is an entry in ClinVar:

NM_017612.5(ZCCHC8):c.58G>A (p.Glu20Lys)

Gene: ZCCHC8 (zinc finger CCHC-type containing 8; minus strand). Cytogenetic location: 12q24.31.
Variant type: single nucleotide variant.
Coding change: c.58G>A on transcript NM_017612.5 (MANE Select); coding-DNA position 58, G replaced by A.
Protein change: p.Glu20Lys; replaces glutamic acid 20 with lysine.
Molecular consequence: missense variant. On other transcripts: 5 prime UTR variant (3).
Genome position (GRCh38, 1-based): chr12:122,500,783, C>T on the plus strand (G>A on the coding strand, the complement: ZCCHC8 is on the minus strand). VCF-style: chr12-122500783-C-T. GRCh37 (hg19) VCF-style: chr12-122985330-C-T.
Other names: c.58G>A, p.Glu20Lys (NM_001350935.2); c.-866G>A (NM_001350936.2); c.-487G>A (NM_001350937.2); c.-381G>A (NM_001350938.2); c.58G>A (NM_017612.3); short protein forms E20K.
Identifiers: ClinVar variation 1442862 (VCV001442862.9), dbSNP rs749717942, ClinGen allele CA6846544.
Genomic context (GRCh38, chr12:122,500,783, plus strand): 5'-CCTCCTCGTCGCCGTCGTCGTCCTTGAAGCGAGTGTGAACGGGCTTCGGAATCGACTCCT[C>T]TGGGTGGTCGAACGGCTCGAAGAGCTCTAGATCGCCAAAATACACCTCTGCGGCCATTTT-3'
Protein context (NP_060082.2, residues 10-30): LELFEPFDHP[Glu20Lys]ESIPKPVHTR

ClinVar aggregate classification (germline): Uncertain significance. Review status: criteria provided, multiple submitters, no conflicts (2 of 4 stars). 2 submissions from 2 submitters: Uncertain significance (2). Last evaluated 2025-12-10.

Allele frequency attached by ClinVar (database versions not stated): gnomAD 0.00001; TOPMed 0.00003; ExAC 0.00008; gnomAD exomes 0.00008.
gnomAD v4.1: 23 of 1,590,328 alleles (0.0014%); highest among the groups gnomAD compares: Admixed American, 0.034%; no homozygotes.

Submissions (2):

Labcorp Genetics (formerly Invitae), Labcorp
Classification: Uncertain significance. Last evaluated: 2025-12-10. Review status: criteria provided, single submitter. Criteria: Invitae Variant Classification Sherloc (09022015). Collection method: clinical testing. Allele origin: germline.
Comment: This sequence change replaces glutamic acid, which is acidic and polar, with lysine, which is basic and polar, at codon 20 of the ZCCHC8 protein (p.Glu20Lys). This variant is present in population databases (rs749717942, gnomAD 0.05%), and has an allele count higher than expected for a pathogenic variant. This variant has not been reported in the literature in individuals affected with ZCCHC8-related conditions. ClinVar contains an entry for this variant (Variation ID: 1442862). An algorithm developed to predict the effect of missense changes on protein structure and function (PolyPhen-2) suggests that this variant is likely to be disruptive. In summary, the available evidence is currently insufficient to determine the role of this variant in disease. Therefore, it has been classified as a Variant of Uncertain Significance.

Ambry Genetics
Classification: Uncertain significance. Last evaluated: 2023-08-04. Review status: criteria provided, single submitter. Criteria: Ambry Variant Classification Scheme 2023. Collection method: clinical testing. Allele origin: germline.